The following is an entry in ClinVar:

ClinVar aggregate classification (germline): Likely pathogenic (1 of 4 stars; one submission).

Submission:

Labcorp Genetics (formerly Invitae), Labcorp
Classification: Likely pathogenic. Last evaluated: 2022-02-02. Review status: criteria provided, single submitter. Criteria: Invitae Variant Classification Sherloc (09022015). Collection method: clinical testing. Allele origin: germline.
Comment: In summary, the currently available evidence indicates that the variant is pathogenic, but additional data are needed to prove that conclusively. Therefore, this variant has been classified as Likely Pathogenic. This variant disrupts the p.Gly414 amino acid residue in HK1. Other variant(s) that disrupt this residue have been determined to be pathogenic (PMID: 30778173). This suggests that this residue is clinically significant, and that variants that disrupt this residue are likely to be disease-causing. Advanced modeling of protein sequence and biophysical properties (such as structural, functional, and spatial information, amino acid conservation, physicochemical variation, residue mobility, and thermodynamic stability) performed at Invitae indicates that this missense variant is expected to disrupt HK1 protein function. This variant has not been reported in the literature in individuals affected with HK1-related conditions. This variant is not present in population databases (gnomAD no frequency). This sequence change replaces glycine, which is neutral and non-polar, with arginine, which is basic and polar, at codon 414 of the HK1 protein (p.Gly414Arg).

Literature cited by the submitters: PubMed 30778173.

NM_000188.3(HK1):c.1240G>C (p.Gly414Arg)

Gene: HK1 (hexokinase 1; plus strand). Cytogenetic location: 10q22.1.
Variant type: single nucleotide variant.
Coding change: c.1240G>C on transcript NM_000188.3 (MANE Select); coding-DNA position 1240, G replaced by C.
Protein change: p.Gly414Arg; replaces glycine 414 with arginine.
Molecular consequence: missense variant.
Genome position (GRCh38, 1-based): chr10:69,380,070, G>C. VCF-style: chr10-69380070-G-C. GRCh37 (hg19) VCF-style: chr10-71139826-G-C.
Other names: c.1252G>C, p.Gly418Arg (NM_001322364.2, NM_001358263.1, NM_033497.3 and 1 more transcripts); c.1345G>C, p.Gly449Arg (NM_001322365.2); c.1156G>C, p.Gly386Arg (NM_001322366.1); c.1144G>C, p.Gly382Arg (NM_001322367.1); c.1237G>C, p.Gly413Arg (NM_033496.3); c.1204G>C, p.Gly402Arg (NM_033500.2); short protein forms G402R, G382R, G449R, G418R, G386R, G413R, G414R.
Identifiers: ClinVar variation 1465743 (VCV001465743.8), dbSNP rs2132871580, ClinGen allele CA376917719.